The following is an entry in ClinVar:

ClinVar aggregate classification (germline): Uncertain significance (1 of 4 stars; one submission).

Conditions:
Deficiency of hydroxymethylglutaryl-CoA lyase (HMGCLD). Also called: HMGCL DEFICIENCY; HYDROXYMETHYLGLUTARIC ACIDURIA; Defect in leucine metabolism; 3-hydroxy-3-methylglutaric aciduria; HMG-CoA LYASE DEFICIENCY. Identifiers: Orphanet 20, MedGen C1533587, MONDO:0009520, OMIM 246450.

Allele frequency attached by ClinVar (database versions not stated): gnomAD exomes below 0.00001; gnomAD 0.00002; TOPMed 0.00002.
gnomAD v4.1: 4 of 1,613,462 alleles (0.00025%); highest among the groups gnomAD compares: African/African-American, 0.0053%; no homozygotes.

Submission:

Labcorp Genetics (formerly Invitae), Labcorp
Classification: Uncertain significance for Deficiency of hydroxymethylglutaryl-CoA lyase. Last evaluated: 2022-07-06. Review status: criteria provided, single submitter. Criteria: Invitae Variant Classification Sherloc (09022015). Collection method: clinical testing. Allele origin: germline.
Comment: In summary, the available evidence is currently insufficient to determine the role of this variant in disease. Therefore, it has been classified as a Variant of Uncertain Significance. Algorithms developed to predict the effect of missense changes on protein structure and function (SIFT, PolyPhen-2, Align-GVGD) all suggest that this variant is likely to be tolerated. ClinVar contains an entry for this variant (Variation ID: 1387133). This variant has not been reported in the literature in individuals affected with HMGCL-related conditions. This variant is not present in population databases (gnomAD no frequency). This sequence change replaces valine, which is neutral and non-polar, with glycine, which is neutral and non-polar, at codon 125 of the HMGCL protein (p.Val125Gly).

NM_000191.3(HMGCL):c.374T>G (p.Val125Gly)

Gene: HMGCL (3-hydroxy-3-methylglutaryl-CoA lyase; minus strand). Cytogenetic location: 1p36.11.
Variant type: single nucleotide variant.
Coding change: c.374T>G on transcript NM_000191.3 (MANE Select); coding-DNA position 374, T replaced by G.
Protein change: p.Val125Gly; replaces valine 125 with glycine.
Molecular consequence: missense variant. On other transcripts: intron variant (1).
Genome position (GRCh38, 1-based): chr1:23,814,313, A>C on the plus strand (T>G on the coding strand, the complement: HMGCL is on the minus strand). VCF-style: chr1-23814313-A-C. GRCh37 (hg19) VCF-style: chr1-24140803-A-C.
Other names: c.348+2362T>G (NM_001166059.2); short protein forms V125G.
Identifiers: ClinVar variation 1387133 (VCV001387133.6), dbSNP rs905961108, ClinGen allele CA19295808.